The following is an entry in ClinVar:

ClinVar aggregate classification (germline): Uncertain significance (1 of 4 stars; one submission).

Conditions:
Cornelia de Lange syndrome 1 (CDLS1). Also called: NIPBL-Related Cornelia de Lange Syndrome; TYPUS DEGENERATIVUS AMSTELODAMENSIS; Brachmann de Lange syndrome. Identifiers: Orphanet 199, MedGen C4551851, MONDO:0007387, OMIM 122470.

Submission:

Baylor Genetics
Classification: Uncertain significance for Cornelia de Lange syndrome 1. Last evaluated: 2019-07-17. Review status: criteria provided, single submitter. Criteria: ACMG Guidelines, 2015. Collection method: clinical testing. Allele origin: unknown. Affected: yes.
Comment: This variant was determined to be of uncertain significance according to ACMG Guidelines, 2015 [PMID:25741868].

NM_133433.4(NIPBL):c.1152T>A (p.Asn384Lys)

Gene: NIPBL (NIPBL cohesin loading factor; plus strand). Cytogenetic location: 5p13.2.
Variant type: single nucleotide variant.
Coding change: c.1152T>A on transcript NM_133433.4 (MANE Select); coding-DNA position 1152, T replaced by A.
Protein change: p.Asn384Lys; replaces asparagine 384 with lysine.
Molecular consequence: missense variant.
Genome position (GRCh38, 1-based): chr5:36,976,059, T>A. VCF-style: chr5-36976059-T-A. GRCh37 (hg19) VCF-style: chr5-36976161-T-A.
Other names: c.1152T>A, p.Asn384Lys (NM_015384.5); short protein forms N384K.
Identifiers: ClinVar variation 1030171 (VCV001030171.1), dbSNP rs1743404672, ClinGen allele CA359485421.